The following is an entry in ClinVar:

NM_176824.3(BBS7):c.515T>C (p.Leu172Pro)

Gene: BBS7 (Bardet-Biedl syndrome 7; minus strand). Cytogenetic location: 4q27.
Variant type: single nucleotide variant.
Coding change: c.515T>C on transcript NM_176824.3 (MANE Select); coding-DNA position 515, T replaced by C.
Protein change: p.Leu172Pro; replaces leucine 172 with proline.
Molecular consequence: missense variant.
Genome position (GRCh38, 1-based): chr4:121,859,005, A>G on the plus strand (T>C on the coding strand, the complement: BBS7 is on the minus strand). VCF-style: chr4-121859005-A-G. GRCh37 (hg19) VCF-style: chr4-122780160-A-G.
Other names: c.515T>C, p.Leu172Pro (NM_018190.4); short protein forms L172P.
Identifiers: ClinVar variation 3347116 (VCV003347116.1).

ClinVar aggregate classification (germline): Uncertain significance (0 of 4 stars; one submission).

Conditions:
BBS7-related disorder. Also called: BBS7-related condition.

Submission:

PreventionGenetics, part of Exact Sciences
Classification: Uncertain significance for BBS7-related condition. Last evaluated: 2024-03-27. Review status: no assertion criteria provided. Collection method: clinical testing. Allele origin: germline.
Comment: The BBS7 c.515T>C variant is predicted to result in the amino acid substitution p.Leu172Pro. To our knowledge, this variant has not been reported in the literature or in a large population database, indicating this variant is rare. At this time, the clinical significance of this variant is uncertain due to the absence of conclusive functional and genetic evidence.